The following is an entry in ClinVar:

NM_001167.4(XIAP):c.877+1G>C

Gene: XIAP (X-linked inhibitor of apoptosis; plus strand). Cytogenetic location: Xq25.
Variant type: single nucleotide variant.
Coding change: c.877+1G>C on transcript NM_001167.4 (MANE Select); the canonical splice donor site of the intron after coding-DNA position 877, G replaced by C.
Molecular consequence: splice donor variant.
Genome position (GRCh38, 1-based): chrX:123,886,540, G>C. VCF-style: chrX-123886540-G-C. GRCh37 (hg19) VCF-style: chrX-123020390-G-C.
Other names: c.877+1G>C (NM_001378592.1, NM_001378591.1, NM_001204401.2 and 1 more transcripts).
Identifiers: ClinVar variation 3662274 (VCV003662274.2).

ClinVar aggregate classification (germline): Likely pathogenic (1 of 4 stars; one submission).

Conditions:
X-linked lymphoproliferative disease due to XIAP deficiency. Also called: XIAP DEFICIENCY; XIAP-Related Lymphoproliferative Disease, X-Linked. Identifiers: Orphanet 2442, Orphanet 538934, MedGen C1845076, MONDO:0010385, OMIM 300635.

Submission:

Labcorp Genetics (formerly Invitae), Labcorp
Classification: Likely pathogenic for X-linked lymphoproliferative disease due to XIAP deficiency. Last evaluated: 2024-08-14. Review status: criteria provided, single submitter. Criteria: Invitae Variant Classification Sherloc (09022015). Collection method: clinical testing. Allele origin: germline.
Comment: This sequence change affects a donor splice site in intron 2 of the XIAP gene. It is expected to disrupt RNA splicing. Variants that disrupt the donor or acceptor splice site typically lead to a loss of protein function (PMID: 16199547), and loss-of-function variants in XIAP are known to be pathogenic (PMID: 17080092, 21119115, 25666262). This variant is not present in population databases (gnomAD no frequency). Disruption of this splice site has been observed in individual(s) with X-linked inhibitor of apoptosis (XIAP) deficiency (PMID: 34586554). Algorithms developed to predict the effect of sequence changes on RNA splicing suggest that this variant may disrupt the consensus splice site. In summary, the currently available evidence indicates that the variant is pathogenic, but additional data are needed to prove that conclusively. Therefore, this variant has been classified as Likely Pathogenic.

Literature cited by the submitters: PubMed 16199547; PubMed 17080092; PubMed 21119115; PubMed 25666262; PubMed 34586554.